The following is an entry in ClinVar:

NM_001290043.2(TAP2):c.256G>C (p.Ala86Pro)

Gene: TAP2 (transporter 2, ATP binding cassette subfamily B member; minus strand). Cytogenetic location: 6p21.32.
Variant type: single nucleotide variant.
Coding change: c.256G>C on transcript NM_001290043.2 (MANE Select); coding-DNA position 256, G replaced by C.
Protein change: p.Ala86Pro; replaces alanine 86 with proline.
Molecular consequence: missense variant.
Genome position (GRCh38, 1-based): chr6:32,837,978, C>G on the plus strand (G>C on the coding strand, the complement: TAP2 is on the minus strand). VCF-style: chr6-32837978-C-G. GRCh37 (hg19) VCF-style: chr6-32805755-C-G.
Other names: c.256G>C, p.Ala86Pro (NM_000544.3, NM_018833.3); short protein forms A86P.
Identifiers: ClinVar variation 1905639 (VCV001905639.5), dbSNP rs1769537030, ClinGen allele CA363586830.

ClinVar aggregate classification (germline): Uncertain significance (1 of 4 stars; one submission).

Conditions:
MHC class I deficiency. Identifiers: Orphanet 34592, MedGen C6024714, MONDO:0011476.

gnomAD v4.1: 1 of 1,612,610 alleles (0.000062%); highest among the groups gnomAD compares: East Asian, 0.0022%; no homozygotes.

Submission:

Labcorp Genetics (formerly Invitae), Labcorp
Classification: Uncertain significance for MHC class I deficiency 1. Last evaluated: 2024-02-24. Review status: criteria provided, single submitter. Criteria: Invitae Variant Classification Sherloc (09022015). Collection method: clinical testing. Allele origin: germline.
Comment: This sequence change replaces alanine, which is neutral and non-polar, with proline, which is neutral and non-polar, at codon 86 of the TAP2 protein (p.Ala86Pro). This variant is not present in population databases (gnomAD no frequency). This variant has not been reported in the literature in individuals affected with TAP2-related conditions. ClinVar contains an entry for this variant (Variation ID: 1905639). Experimental studies and prediction algorithms are not available or were not evaluated, and the functional significance of this variant is currently unknown. In summary, the available evidence is currently insufficient to determine the role of this variant in disease. Therefore, it has been classified as a Variant of Uncertain Significance.